The following is an entry in ClinVar:

NM_001352514.2(HLCS):c.442A>G (p.Met148Val)

Gene: HLCS (holocarboxylase synthetase; minus strand). Cytogenetic location: 21q22.13.
Variant type: single nucleotide variant.
Coding change: c.442A>G on transcript NM_001352514.2 (MANE Select); coding-DNA position 442, A replaced by G.
Protein change: p.Met148Val; replaces methionine 148 with valine.
Molecular consequence: missense variant. On other transcripts: initiator codon variant (7), non-coding transcript variant (2).
Genome position (GRCh38, 1-based): chr21:36,938,883, T>C on the plus strand (A>G on the coding strand, the complement: HLCS is on the minus strand). VCF-style: chr21-36938883-T-C. GRCh37 (hg19) VCF-style: chr21-38311183-T-C.
Other names: c.1A>G, p.Met1Val (NM_000411.8, NM_001242784.3, NM_001242785.2 and 4 more transcripts); c.1A>G (NM_000411.7); short protein forms M1V, M148V.
Identifiers: ClinVar variation 558375 (VCV000558375.6), dbSNP rs764841449, ClinGen allele CA10020783.

ClinVar aggregate classification (germline): Uncertain significance. Review status: criteria provided, single submitter (1 of 4 stars). 3 submissions from 3 submitters: Uncertain significance (1). 2 of the submissions do not count toward it. Last evaluated 2023-01-20.

Conditions:
Holocarboxylase synthetase deficiency. Also called: MULTIPLE CARBOXYLASE DEFICIENCY, EARLY ONSET. Identifiers: Orphanet 79242, MedGen C0268581, MONDO:0009666, OMIM 253270.

Allele frequency attached by ClinVar (database versions not stated): TOPMed below 0.00001; ExAC 0.00001; gnomAD 0.00001; gnomAD exomes 0.00001.

Submissions (3):

Women's Health and Genetics/Laboratory Corporation of America, LabCorp
Classification: Uncertain significance. Last evaluated: 2023-01-20. Review status: criteria provided, single submitter. Criteria: LabCorp Variant Classification Summary - May 2015. Collection method: clinical testing. Allele origin: germline.
Comment: Variant summary: HLCS c.1A>G (p.Met1Val aka. p.Met1?) alters the initiation codon and is predicted to result either in absence of the protein or truncation of the encoded protein due to translation initiation at a downstream codon. Two potential in-frame start codons (ATG) are located downstream in the same exon (at Met7), and in the next exon (Met58). In vitro functional studies suggest that the HLCS protein can be translated from all three (i.e. Met1, Met7 and Met58) translation initiation codons, and these isoforms occur in human tissues (PMIDs: 9630604, 20153287). No truncations upstream of the alternative initiation codons are reported in affected individuals (HGMD), in addition, in vitro experiments demonstrated that N-terminal truncations starting at Met58 (and even at Ala80) resulted in a fully active enzyme (PMID 11124959). The variant allele was found at a frequency of 1.2e-05 in 251460 control chromosomes (gnomAD). The available data on variant occurrences in the general population are insufficient to allow any conclusion about variant significance. To our knowledge, no occurrence of c.1A>G in individuals affected with Holocarboxylase Synthetase Deficiency and no experimental evidence demonstrating its impact on protein function have been reported. One clinical diagnostic laboratory has submitted clinical-significance assessments for this variant to ClinVar after 2014 without evidence for independent evaluation, and classified the variant as uncertain significance. Based on the evidence outlined above, the variant was classified as uncertain significance.

Natera, Inc.
Classification: Uncertain significance for Holocarboxylase synthetase deficiency. Last evaluated: 2025-02-21. Review status: no assertion criteria provided. Collection method: clinical testing. Allele origin: germline. Not counted in ClinVar's aggregate classification.

Counsyl
Classification: Uncertain significance for Holocarboxylase synthetase deficiency. Last evaluated: 2018-05-16. Review status: no assertion criteria provided. Collection method: clinical testing. Allele origin: unknown. Not counted in ClinVar's aggregate classification.

Literature cited by the submitters: PubMed 11124959 (cited by Counsyl); PubMed 9630604 (cited by Counsyl).